The following is an entry in ClinVar:

NM_000257.4(MYH7):c.797-19_797-17del

Gene: MYH7 (myosin heavy chain 7; minus strand). Cytogenetic location: 14q11.2.
Variant type: Microsatellite.
Coding change: c.797-19_797-17del on transcript NM_000257.4 (MANE Select); 19 bases into the intron before coding-DNA position 797 through 17 bases into the intron before coding-DNA position 797, 3 bases deleted (TCT; older notation c.797-19_797-17delTCT).
Molecular consequence: intron variant.
Genome position (GRCh38, 1-based): chr14:23,431,016-23,431,018, AGA deleted on the plus strand (TCT on the coding strand, the reverse complement: MYH7 is on the minus strand); deleting any 3 consecutive bases within chr14:23,431,016-23,431,023 gives the same sequence; the c. name uses the placement nearest the transcript's 3' end. VCF-style (leftmost placement, unchanged base first): chr14-23431015-GAGA-G. GRCh37 (hg19) VCF-style: chr14-23900224-GAGA-G.
Other names: c.797-19_797-17delTCT (NM_000257.2, NM_000257.4).
Identifiers: ClinVar variation 255633 (VCV000255633.13), dbSNP rs372245426, ClinGen allele CA049207.
Genomic context (GRCh38, chr14:23,431,015, plus strand): 5'-TCTCTGCTTTCAGCTGGAAAATAACTCTGGATTTTTCCAGAAGATCTGTGAACAGGTGGG[GAGA>G]AGAAGGAGAGAAAGAAAAGTTAGGGTTTGGGCACAAGGAAAATTAATGATAAATGTAGCA-3'

ClinVar aggregate classification (germline): Benign/Likely benign. Review status: criteria provided, multiple submitters, no conflicts (2 of 4 stars). 4 submissions from 4 submitters: Benign (1); Likely benign (3). Last evaluated 2026-02-02.

Conditions:
Hypertrophic cardiomyopathy. Also called: HYPERTROPHIC MYOCARDIOPATHY. Identifiers: Orphanet 217569, MedGen C0007194, MeSH D002312, MONDO:0005045, HP:0001639.

Submissions (4):

Women's Health and Genetics/Laboratory Corporation of America, LabCorp
Classification: Likely benign. Last evaluated: 2026-02-02. Review status: criteria provided, single submitter. Criteria: LabCorp Variant Classification Summary - May 2015. Collection method: clinical testing. Allele origin: germline.
Comment: Variant summary: MYH7 c.797-19_797-17delTCT alters a conserved nucleotide located at a position not widely known to affect splicing. Consensus agreement among computation tools predict no significant impact on normal splicing. However, these predictions have yet to be confirmed by functional studies. The variant allele was found at a frequency of 2.4e-05 in 250602 control chromosomes. The available data on variant occurrences in the general population are insufficient to allow any conclusion about variant significance. To our knowledge, no occurrence of c.797-19_797-17delTCT in individuals affected with MYH7-related conditions and no experimental evidence demonstrating its impact on protein function have been reported. ClinVar contains an entry for this variant (Variation ID: 255633). Based on the evidence outlined above, the variant was classified as likely benign.

Labcorp Genetics (formerly Invitae), Labcorp
Classification: Likely benign for Hypertrophic cardiomyopathy. Last evaluated: 2026-01-19. Review status: criteria provided, single submitter. Criteria: Invitae Variant Classification Sherloc (09022015). Collection method: clinical testing. Allele origin: germline.

GeneDx
Classification: Benign. Last evaluated: 2015-06-22. Review status: criteria provided, single submitter. Criteria: GeneDx Variant Classification Process June 2021. Collection method: clinical testing. Allele origin: germline. Affected: yes.

PreventionGenetics, part of Exact Sciences
Classification: Likely benign. Review status: criteria provided, single submitter. Criteria: ACMG Guidelines, 2015. Collection method: clinical testing. Allele origin: germline.